The following is an entry in ClinVar:

ClinVar aggregate classification (germline): Likely benign (1 of 4 stars; one submission).

Allele frequency attached by ClinVar (database versions not stated): 1000 Genomes Project 30x 0.00078; 1000 Genomes Project 0.00080; ExAC 0.00084; TOPMed 0.00098; gnomAD 0.00104; ESP Exome Variant Server 0.00131.
gnomAD v4.1: 1,469 of 1,614,172 alleles (0.091%); highest among the groups gnomAD compares: Admixed American, 0.14%; no homozygotes.

Submission:

CeGaT Center for Human Genetics Tuebingen
Classification: Likely benign. Last evaluated: 2022-04-01. Review status: criteria provided, single submitter. Criteria: CeGaT Center For Human Genetics Tuebingen Variant Classification Criteria Version 2. Collection method: clinical testing. Allele origin: germline. Affected: yes. Observed: 1 variant allele.
Comment: LPCAT1: BP4

NM_024830.5(LPCAT1):c.1439C>G (p.Ala480Gly)

Gene: LPCAT1 (lysophosphatidylcholine acyltransferase 1). Cytogenetic location: 5p15.33.
Variant type: single nucleotide variant.
Coding change: c.1439C>G on transcript NM_024830.5 (MANE Select); coding-DNA position 1439, C replaced by G.
Protein change: p.Ala480Gly; replaces alanine 480 with glycine.
Molecular consequence: missense variant.
Genome position (GRCh38, 1-based): chr5:1,463,817, G>C on the plus strand (C>G on the coding strand, the complement: LPCAT1 is on the minus strand). VCF-style: chr5-1463817-G-C. GRCh37 (hg19) VCF-style: chr5-1463932-G-C.
Other names: short protein forms A480G.
Identifiers: ClinVar variation 2655277 (VCV002655277.24), dbSNP rs144081179, ClinGen allele CA3186581.